The following is an entry in ClinVar:

ClinVar aggregate classification (germline): Uncertain significance (1 of 4 stars; one submission).

Submission:

Labcorp Genetics (formerly Invitae), Labcorp
Classification: Uncertain significance. Last evaluated: 2022-09-13. Review status: criteria provided, single submitter. Criteria: Invitae Variant Classification Sherloc (09022015). Collection method: clinical testing. Allele origin: germline.
Comment: This sequence change replaces tyrosine, which is neutral and polar, with cysteine, which is neutral and slightly polar, at codon 817 of the AHDC1 protein (p.Tyr817Cys). This variant is not present in population databases (gnomAD no frequency). This variant has not been reported in the literature in individuals affected with AHDC1-related conditions. Algorithms developed to predict the effect of missense changes on protein structure and function are either unavailable or do not agree on the potential impact of this missense change (SIFT: "Deleterious"; PolyPhen-2: "Possibly Damaging"; Align-GVGD: "Class C0"). In summary, the available evidence is currently insufficient to determine the role of this variant in disease. Therefore, it has been classified as a Variant of Uncertain Significance.

NM_001371928.1(AHDC1):c.2450A>G (p.Tyr817Cys)

Gene: AHDC1 (AT-hook DNA binding motif containing 1; minus strand). Cytogenetic location: 1p36.11.
Variant type: single nucleotide variant.
Coding change: c.2450A>G on transcript NM_001371928.1 (MANE Select); coding-DNA position 2450, A replaced by G.
Protein change: p.Tyr817Cys; replaces tyrosine 817 with cysteine.
Molecular consequence: missense variant.
Genome position (GRCh38, 1-based): chr1:27,549,666, T>C on the plus strand (A>G on the coding strand, the complement: AHDC1 is on the minus strand). VCF-style: chr1-27549666-T-C. GRCh37 (hg19) VCF-style: chr1-27876177-T-C.
Other names: c.2450A>G, p.Tyr817Cys (NM_001029882.3); short protein forms Y817C.
Identifiers: ClinVar variation 2005541 (VCV002005541.4), dbSNP rs2521936059, ClinGen allele CA339230504.